The following is an entry in ClinVar:

ClinVar aggregate classification (germline): Uncertain significance (1 of 4 stars; one submission).

Conditions:
Fanconi anemia (FA). Also called: Fanconi's anemia. Identifiers: Orphanet 84, MedGen C0015625, MeSH D005199, MONDO:0019391.

Submission:

Labcorp Genetics (formerly Invitae), Labcorp
Classification: Uncertain significance for Fanconi anemia. Last evaluated: 2021-05-01. Review status: criteria provided, single submitter. Criteria: Invitae Variant Classification Sherloc (09022015). Collection method: clinical testing. Allele origin: germline.
Comment: In summary, the available evidence is currently insufficient to determine the role of this variant in disease. Therefore, it has been classified as a Variant of Uncertain Significance. Algorithms developed to predict the effect of missense changes on protein structure and function (SIFT, PolyPhen-2, Align-GVGD) all suggest that this variant is likely to be tolerated, but these predictions have not been confirmed by published functional studies and their clinical significance is uncertain. This variant has not been reported in the literature in individuals with FANCI-related conditions. This variant is not present in population databases (ExAC no frequency). This sequence change replaces glutamic acid with glutamine at codon 111 of the FANCI protein (p.Glu111Gln). The glutamic acid residue is weakly conserved and there is a small physicochemical difference between glutamic acid and glutamine.

NM_001113378.2(FANCI):c.331G>C (p.Glu111Gln)

Gene: FANCI (FA complementation group I; plus strand). Cytogenetic location: 15q26.1.
Variant type: single nucleotide variant.
Coding change: c.331G>C on transcript NM_001113378.2 (MANE Select); coding-DNA position 331, G replaced by C.
Protein change: p.Glu111Gln; replaces glutamic acid 111 with glutamine.
Molecular consequence: missense variant.
Genome position (GRCh38, 1-based): chr15:89,261,627, G>C. VCF-style: chr15-89261627-G-C. GRCh37 (hg19) VCF-style: chr15-89804858-G-C.
Other names: c.52G>C, p.Glu18Gln (NM_001376910.1); c.331G>C, p.Glu111Gln (NM_001376911.1, NM_018193.3); short protein forms E18Q, E111Q.
Identifiers: ClinVar variation 1440389 (VCV001440389.7), dbSNP rs2151267825, ClinGen allele CA393738243.